The following is an entry in ClinVar:

NM_000368.5(TSC1):c.1119_1123del (p.Tyr373_Lys375delinsTer)

Gene: TSC1 (TSC complex subunit 1; minus strand). Cytogenetic location: 9q34.13.
Variant type: Deletion.
Coding change: c.1119_1123del on transcript NM_000368.5 (MANE Select); coding-DNA positions 1119 to 1123, 5 bases deleted (CAGTA; older notation c.1119_1123delCAGTA).
Protein change: p.Tyr373_Lys375delinsTer.
Molecular consequence: nonsense.
Genome position (GRCh38, 1-based): chr9:132,911,020-132,911,024, TACTG deleted on the plus strand (CAGTA on the coding strand, the reverse complement: TSC1 is on the minus strand); deleting any 5 consecutive bases within chr9:132,911,020-132,911,026 gives the same sequence; the c. name uses the placement nearest the transcript's 3' end. VCF-style (leftmost placement, unchanged base first): chr9-132911019-TTACTG-T. GRCh37 (hg19) VCF-style: chr9-135786406-TTACTG-T.
Other names: c.1119_1123delCAGTA (NM_000368.4); c.1119_1123del, p.Tyr373_Lys375delinsTer (NM_001162426.2); c.966_970del, p.Tyr322_Lys324delinsTer (NM_001162427.2); c.756_760del, p.Tyr252_Lys254delinsTer (NM_001362177.2).
Identifiers: ClinVar variation 666182 (VCV000666182.8), dbSNP rs1588322764, ClinGen allele CA915947251.

ClinVar aggregate classification (germline): Pathogenic (1 of 4 stars; one submission).

Conditions:
Tuberous sclerosis 1 (TSC1). Identifiers: Orphanet 805, MedGen C1854465, MONDO:0008612, OMIM 191100.

Submission:

Labcorp Genetics (formerly Invitae), Labcorp
Classification: Pathogenic for Tuberous sclerosis 1. Last evaluated: 2018-11-03. Review status: criteria provided, single submitter. Criteria: Invitae Variant Classification Sherloc (09022015). Collection method: clinical testing. Allele origin: germline.
Comment: This sequence change creates a premature translational stop signal (p.Tyr373*) in the TSC1 gene. It is expected to result in an absent or disrupted protein product. This variant is not present in population databases (ExAC no frequency). This protein change has been observed in an individual affected with clinical features of tuberous sclerosis complex (PMID: 20082901). Loss-of-function variants in TSC1 are known to be pathogenic (PMID: 10227394, 17304050). For these reasons, this variant has been classified as Pathogenic.

Literature cited by the submitters: PubMed 20082901; PubMed 10227394; PubMed 17304050.